The following is an entry in ClinVar:

NM_020987.5(ANK3):c.11986T>A (p.Ser3996Thr)

Gene: ANK3 (ankyrin 3; minus strand). Cytogenetic location: 10q21.2.
Variant type: single nucleotide variant.
Coding change: c.11986T>A on transcript NM_020987.5 (MANE Select); coding-DNA position 11986, T replaced by A.
Protein change: p.Ser3996Thr; replaces serine 3996 with threonine.
Molecular consequence: missense variant. On other transcripts: intron variant (4).
Genome position (GRCh38, 1-based): chr10:60,068,895, A>T on the plus strand (T>A on the coding strand, the complement: ANK3 is on the minus strand). VCF-style: chr10-60068895-A-T. GRCh37 (hg19) VCF-style: chr10-61828653-A-T.
Other names: c.4388-886T>A (NM_001204403.2); c.4409-886T>A (NM_001204404.2); c.4406-886T>A (NM_001320874.2); c.1808-886T>A (NM_001149.4); short protein forms S3996T.
Identifiers: ClinVar variation 2082028 (VCV002082028.4), dbSNP rs2492507004, ClinGen allele CA376995535.
Genomic context (GRCh38, chr10:60,068,895, plus strand): 5'-CAGAGAGGCGGTCCACAAGCTTTAAGGTCTCACCACTAATTCCCTTAAAATATTCAATGG[A>T]ATGTTTACATACTTCCTTGAGCTGACTTTTCCTAACTTTAACTGTGCAGCTGGTGGTGGT-3'
Protein context (NP_066267.2, residues 3986-4006): KSQLKEVCKH[Ser3996Thr]IEYFKGISGE

ClinVar aggregate classification (germline): Uncertain significance (1 of 4 stars; one submission).

Submission:

Labcorp Genetics (formerly Invitae), Labcorp
Classification: Uncertain significance. Last evaluated: 2022-08-23. Review status: criteria provided, single submitter. Criteria: Invitae Variant Classification Sherloc (09022015). Collection method: clinical testing. Allele origin: germline.
Comment: In summary, the available evidence is currently insufficient to determine the role of this variant in disease. Therefore, it has been classified as a Variant of Uncertain Significance. Algorithms developed to predict the effect of missense changes on protein structure and function are either unavailable or do not agree on the potential impact of this missense change (SIFT: "Not Available"; PolyPhen-2: "Benign"; Align-GVGD: "Not Available"). This variant has not been reported in the literature in individuals affected with ANK3-related conditions. This variant is not present in population databases (gnomAD no frequency). This sequence change replaces serine, which is neutral and polar, with threonine, which is neutral and polar, at codon 3996 of the ANK3 protein (p.Ser3996Thr).